The following is an entry in ClinVar:

NM_152564.5(VPS13B):c.8475_8477delinsTCA (p.Arg2825_Ser2826delinsSerHis)

Gene: VPS13B (vacuolar protein sorting 13 homolog B; plus strand). Cytogenetic location: 8q22.2.
Variant type: Indel.
Coding change: c.8475_8477delinsTCA on transcript NM_152564.5 (MANE Select); coding-DNA positions 8475 to 8477, GAG replaced by TCA.
Protein change: p.Arg2825_Ser2826delinsSerHis.
Molecular consequence: missense variant.
Genome position (GRCh38, 1-based): chr8:99,818,742-99,818,744, GAG replaced by TCA. VCF-style: chr8-99818742-GAG-TCA. GRCh37 (hg19) VCF-style: chr8-100830970-GAG-TCA.
Other names: c.8550_8552delinsTCA, p.Arg2850_Ser2851delinsSerHis (NM_017890.5); c.8475_8477delGAGinsTCA, p.Arg2825_Ser2826delinsSerHis (NM_152564.4); c.8475_8477delinsTCA (NM_152564.4).
Identifiers: ClinVar variation 2868530 (VCV002868530.4), dbSNP rs2492010350, ClinGen allele CA2739265788.

ClinVar aggregate classification (germline): Uncertain significance. Review status: criteria provided, multiple submitters, no conflicts (2 of 4 stars). 2 submissions from 2 submitters: Uncertain significance (2). Last evaluated 2025-08-22.

Conditions:
VPS13B-related disorder. Also called: VPS13B-related condition.
Cohen syndrome (COH1). Also called: PEPPER SYNDROME; Cutis verticis gyrata, retinitis pigmentosa, and sensorineural deafness. Identifiers: Orphanet 193, MedGen C0265223, MONDO:0008999, OMIM 216550.

Submissions (2):

PreventionGenetics, part of Exact Sciences
Classification: Uncertain significance for VPS13B-related condition. Last evaluated: 2025-08-22. Review status: criteria provided, single submitter. Criteria: ACMG Guidelines, 2015. Collection method: clinical testing. Allele origin: germline.
Comment: The VPS13B c.8475_8477delinsTCA variant is predicted to result in an in-frame deletion and insertion. To our knowledge, this variant has not been reported in the literature or in a large population database (gnomAD), indicating this variant is rare. At this time, the clinical significance of this variant is uncertain due to the absence of conclusive functional and genetic evidence.

Labcorp Genetics (formerly Invitae), Labcorp
Classification: Uncertain significance for Cohen syndrome. Last evaluated: 2023-01-20. Review status: criteria provided, single submitter. Criteria: Invitae Variant Classification Sherloc (09022015). Collection method: clinical testing. Allele origin: germline.
Comment: This variant, c.8550_8552delinsTCA, is a complex sequence change that results in the deletion of 2 and insertion of 2 amino acid(s) in the VPS13B protein (p.Arg2850_Ser2851delinsSerHis). Information on the frequency of this variant in the gnomAD database is not available, as this variant may be reported differently in the database. This variant has not been reported in the literature in individuals affected with VPS13B-related conditions. Experimental studies and prediction algorithms are not available or were not evaluated, and the functional significance of this variant is currently unknown. In summary, the available evidence is currently insufficient to determine the role of this variant in disease. Therefore, it has been classified as a Variant of Uncertain Significance.